The following is an entry in ClinVar:

NM_001127222.2(CACNA1A):c.*769TTTTTCCT[1]

Gene: CACNA1A (calcium voltage-gated channel subunit alpha1 A; minus strand). Cytogenetic location: 19p13.13.
Variant type: Microsatellite.
Coding change: c.*769TTTTTCCT[1] on transcript NM_001127222.2 (MANE Select); one copy of the 8-base unit TTTTTCCT starting at c.*769; the reference has two copies in a row; one copy, 8 bases deleted.
Molecular consequence: 3 prime UTR variant.
Genome position (GRCh38, 1-based): chr19:13,206,529-13,206,536, AGGAAAAA deleted on the plus strand (TTTTTCCT on the coding strand, the reverse complement: CACNA1A is on the minus strand); deleting any 8 consecutive bases within chr19:13,206,529-13,206,546 gives the same sequence; the position shown is the placement nearest the transcript's 3' end. VCF-style (leftmost placement, unchanged base first): chr19-13206528-TAGGAAAAA-T. GRCh37 (hg19) VCF-style: chr19-13317342-TAGGAAAAA-T.
Other names: c.*1502TTTTTCCT[1] (NM_000068.4, NM_001127221.2, NM_001174080.2); c.*769TTTTTCCT[1] (NM_023035.3).
Identifiers: ClinVar variation 4989426 (VCV004989426.1).
Genomic context (GRCh38, chr19:13,206,528, plus strand): 5'-TTTTCTTTTTGAATGTCATGCAATAATTCACAGTCCCAAGCCCACGGTTTTCAAACAAGG[TAGGAAAAA>T]AGGAAAAAAGAAGCAAAGGAATCGGTGGTGATGGTGGGTTTTTCTTCTTCTTTTGTTGTT-3'

ClinVar aggregate classification (germline): Likely benign (1 of 4 stars; one submission).

Conditions:
CACNA1A-related disorder. Also called: CACNA1A-related condition.

Submission:

PreventionGenetics, part of Exact Sciences
Classification: Likely benign for CACNA1A-related condition. Last evaluated: 2025-10-03. Review status: criteria provided, single submitter. Criteria: ACMG Guidelines, 2015. Collection method: clinical testing. Allele origin: germline.
Comment: This variant is classified as likely benign based on ACMG/AMP sequence variant interpretation guidelines (Richards et al. 2015 PMID: 25741868, with internal and published modifications).